The following is an entry in ClinVar:

ClinVar aggregate classification (germline): Benign/Likely benign. Review status: criteria provided, multiple submitters, no conflicts (2 of 4 stars). 3 submissions from 3 submitters: Benign (1); Likely benign (2). Last evaluated 2025-11-06.

Conditions:
INF2-related disorder. Also called: INF2-related condition.
Inborn genetic diseases. Identifiers: MedGen C0950123, MeSH D030342.
Focal segmental glomerulosclerosis 5 (FSGS5). Identifiers: Orphanet 656, MedGen C2750475, MONDO:0013191, OMIM 613237.
Charcot-Marie-Tooth disease dominant intermediate E. Also called: CHARCOT-MARIE-TOOTH NEUROPATHY WITH FOCAL SEGMENTAL GLOMERULONEPHRITIS. Identifiers: Orphanet 93114, MedGen C4302667, MONDO:0013758, OMIM 614455.

Allele frequency attached by ClinVar (database versions not stated): gnomAD 0.00001; ExAC 0.00009.
gnomAD v4.1: 45 of 1,590,700 alleles (0.0028%); highest among the groups gnomAD compares: South Asian, 0.033%; no homozygotes.

Submissions (3):

PreventionGenetics, part of Exact Sciences
Classification: Likely benign for INF2-related condition. Last evaluated: 2025-11-06. Review status: criteria provided, single submitter. Criteria: ACMG Guidelines, 2015. Collection method: clinical testing. Allele origin: germline.
Comment: This variant is classified as likely benign based on ACMG/AMP sequence variant interpretation guidelines (Richards et al. 2015 PMID: 25741868, with internal and published modifications).

Labcorp Genetics (formerly Invitae), Labcorp
Classification: Benign for Charcot-Marie-Tooth disease dominant intermediate E; Focal segmental glomerulosclerosis 5. Last evaluated: 2024-03-27. Review status: criteria provided, single submitter. Criteria: Invitae Variant Classification Sherloc (09022015). Collection method: clinical testing. Allele origin: germline.

Ambry Genetics
Classification: Likely benign for Inborn genetic diseases. Last evaluated: 2020-03-23. Review status: criteria provided, single submitter. Criteria: Ambry Variant Classification Scheme 2023. Collection method: clinical testing. Allele origin: germline.

NM_022489.4(INF2):c.3166G>A (p.Gly1056Ser)

Gene: INF2 (inverted formin 2; plus strand). Cytogenetic location: 14q32.33.
Variant type: single nucleotide variant.
Coding change: c.3166G>A on transcript NM_022489.4 (MANE Select); coding-DNA position 3166, G replaced by A.
Protein change: p.Gly1056Ser; replaces glycine 1056 with serine.
Molecular consequence: missense variant.
Genome position (GRCh38, 1-based): chr14:104,714,328, G>A. VCF-style: chr14-104714328-G-A. GRCh37 (hg19) VCF-style: chr14-105180665-G-A.
Other names: c.3166G>A, p.Gly1056Ser (NM_001031714.4); short protein forms G1056S.
Identifiers: ClinVar variation 1728374 (VCV001728374.9), dbSNP rs528063130, ClinGen allele CA7373195.